The following is an entry in ClinVar:

NM_172107.4(KCNQ2):c.2204A>G (p.Asp735Gly)

Gene: KCNQ2 (potassium voltage-gated channel subfamily Q member 2; minus strand). Cytogenetic location: 20q13.33.
Variant type: single nucleotide variant.
Coding change: c.2204A>G on transcript NM_172107.4 (MANE Select); coding-DNA position 2204, A replaced by G.
Protein change: p.Asp735Gly; replaces aspartic acid 735 with glycine.
Molecular consequence: missense variant.
Genome position (GRCh38, 1-based): chr20:63,407,059, T>C on the plus strand (A>G on the coding strand, the complement: KCNQ2 is on the minus strand). VCF-style: chr20-63407059-T-C. GRCh37 (hg19) VCF-style: chr20-62038412-T-C.
Other names: c.2258A>G, p.Asp753Gly (NM_001382235.1); c.2120A>G, p.Asp707Gly (NM_004518.6); c.2150A>G, p.Asp717Gly (NM_172106.3); c.2111A>G, p.Asp704Gly (NM_172108.5); short protein forms D717G, D707G, D735G, D753G, D704G.
Identifiers: ClinVar variation 2776936 (VCV002776936.3), dbSNP rs752844999, ClinGen allele CA409638538.

ClinVar aggregate classification (germline): Uncertain significance (1 of 4 stars; one submission).

Conditions:
Early-infantile DEE. Also called: Ohtahara syndrome; Early infantile epileptic encephalopathy; Early infantile epileptic encephalopathy with suppression bursts. Identifiers: Orphanet 1934, MedGen C0393706, MONDO:0800491.

Allele frequency attached by ClinVar (database versions not stated): TOPMed below 0.00001.
gnomAD v4.1: 1 of 1,520,828 alleles (0.000066%); highest among the groups gnomAD compares: Non-Finnish European, 0.000088%; no homozygotes.

Submission:

Labcorp Genetics (formerly Invitae), Labcorp
Classification: Uncertain significance for Early-infantile DEE. Last evaluated: 2023-10-05. Review status: criteria provided, single submitter. Criteria: Invitae Variant Classification Sherloc (09022015). Collection method: clinical testing. Allele origin: germline.
Comment: This sequence change replaces aspartic acid, which is acidic and polar, with glycine, which is neutral and non-polar, at codon 735 of the KCNQ2 protein (p.Asp735Gly). This variant is not present in population databases (gnomAD no frequency). This variant has not been reported in the literature in individuals affected with KCNQ2-related conditions. An algorithm developed to predict the effect of missense changes on protein structure and function (PolyPhen-2) suggests that this variant is likely to be tolerated. In summary, the available evidence is currently insufficient to determine the role of this variant in disease. Therefore, it has been classified as a Variant of Uncertain Significance.